The following is an entry in ClinVar:

NM_004646.4(NPHS1):c.451G>A (p.Val151Ile)

Gene: NPHS1 (NPHS1 adhesion molecule, nephrin; minus strand). Cytogenetic location: 19q13.12.
Variant type: single nucleotide variant.
Coding change: c.451G>A on transcript NM_004646.4 (MANE Select); coding-DNA position 451, G replaced by A.
Protein change: p.Val151Ile; replaces valine 151 with isoleucine.
Molecular consequence: missense variant.
Genome position (GRCh38, 1-based): chr19:35,851,036, C>T on the plus strand (G>A on the coding strand, the complement: NPHS1 is on the minus strand). VCF-style: chr19-35851036-C-T. GRCh37 (hg19) VCF-style: chr19-36341938-C-T.
Other names: short protein forms V151I.
Identifiers: ClinVar variation 1927597 (VCV001927597.2), dbSNP rs1973238799, ClinGen allele CA405410068.
Genomic context (GRCh38, chr19:35,851,036, plus strand): 5'-TGTCAGGTGCTGGCTTCGCGTCCCCAGACACACAGTTGACCACGTACTCCTGCCCAGCTA[C>T]CCAGGTGACCATGGTGCCTGCCTCTGGGGTCAGCAGGAGCAGCTTGGGAGGAACTGGTGA-3'
Protein context (NP_004637.1, residues 141-161): TPEAGTMVTW[Val151Ile]AGQEYVVNCV

ClinVar aggregate classification (germline): Uncertain significance (1 of 4 stars; one submission).

Allele frequency attached by ClinVar (database versions not stated): TOPMed below 0.00001.

Submission:

Labcorp Genetics (formerly Invitae), Labcorp
Classification: Uncertain significance. Last evaluated: 2022-06-03. Review status: criteria provided, single submitter. Criteria: Invitae Variant Classification Sherloc (09022015). Collection method: clinical testing. Allele origin: germline.
Comment: This sequence change replaces valine, which is neutral and non-polar, with isoleucine, which is neutral and non-polar, at codon 151 of the NPHS1 protein (p.Val151Ile). This variant is not present in population databases (gnomAD no frequency). This variant has not been reported in the literature in individuals affected with NPHS1-related conditions. Advanced modeling of protein sequence and biophysical properties (such as structural, functional, and spatial information, amino acid conservation, physicochemical variation, residue mobility, and thermodynamic stability) performed at Invitae indicates that this missense variant is not expected to disrupt NPHS1 protein function. In summary, the available evidence is currently insufficient to determine the role of this variant in disease. Therefore, it has been classified as a Variant of Uncertain Significance.